The following is an entry in ClinVar:

ClinVar aggregate classification (germline): Likely benign. Review status: criteria provided, multiple submitters, no conflicts (2 of 4 stars). 2 submissions from 2 submitters: Likely benign (2). Last evaluated 2024-03-01.

Conditions:
Familial adenomatous polyposis 1 (FAP1). Also called: POLYPOSIS, ADENOMATOUS INTESTINAL; FAMILIAL ADENOMATOUS POLYPOSIS 1, ATTENUATED. Identifiers: MedGen C2713442, MONDO:0021056, OMIM 175100. Disease mechanism: loss of function.

gnomAD v4.1: 5 of 1,612,522 alleles (0.00031%); highest among the groups gnomAD compares: Non-Finnish European, 0.00042%; no homozygotes.

Submissions (2):

Myriad Genetics, Inc.
Classification: Likely benign for Familial adenomatous polyposis 1. Last evaluated: 2024-03-01. Review status: criteria provided, single submitter. Criteria: Myriad Autosomal Dominant, Autosomal Recessive and X-Linked Classification Criteria (2023). Collection method: clinical testing. Allele origin: unknown.
Comment: This variant is considered likely benign. This variant is intronic and is not expected to impact mRNA splicing.

Labcorp Genetics (formerly Invitae), Labcorp
Classification: Likely benign for Familial adenomatous polyposis 1. Last evaluated: 2022-06-29. Review status: criteria provided, single submitter. Criteria: Invitae Variant Classification Sherloc (09022015). Collection method: clinical testing. Allele origin: germline.

NM_000038.6(APC):c.1409-16G>T

Gene: APC (APC regulator of Wnt signaling pathway; plus strand). Cytogenetic location: 5q22.2.
Variant type: single nucleotide variant.
Coding change: c.1409-16G>T on transcript NM_000038.6 (MANE Select); 16 bases into the intron before coding-DNA position 1409, G replaced by T.
Molecular consequence: intron variant.
Genome position (GRCh38, 1-based): chr5:112,827,092, G>T. VCF-style: chr5-112827092-G-T. GRCh37 (hg19) VCF-style: chr5-112162789-G-T.
Other names: c.1409-16G>T (NM_001354895.2, NM_001127510.3); c.1439-16G>T (NM_001354897.2); c.1136-16G>T (NM_001354902.2); c.1355-16G>T (NM_001127511.3); c.1334-16G>T (NM_001354898.2); c.1031-16G>T (NM_001354904.2); c.560-16G>T (NM_001354906.2); c.1463-16G>T (NM_001354896.2); and 5 more.
Identifiers: ClinVar variation 1597469 (VCV001597469.9), dbSNP rs751683321, ClinGen allele CA2573138837.
Genomic context (GRCh38, chr5:112,827,092, plus strand): 5'-ATTTAAGTTACCAACTTGGTACCAGTTTGTTTTATTTTAGATGATTGTCTTTTTCCTCTT[G>T]CCCTTTTTAAATTAGGGGGACTACAGGCCATTGCAGAATTATTGCAAGTGGACTGTGAAA-3'